The following is an entry in ClinVar:

ClinVar aggregate classification (germline): Uncertain significance. Review status: criteria provided, multiple submitters, no conflicts (2 of 4 stars). 2 submissions from 2 submitters: Uncertain significance (2). Last evaluated 2023-03-04.

Conditions:
Long QT syndrome (LQTS). Identifiers: MedGen C0023976, MeSH D008133, MONDO:0002442. Disease mechanism: loss of function. Inheritance: Various modes of inheritance.

Submissions (2):

All of Us Research Program, National Institutes of Health
Classification: Uncertain significance for Long QT syndrome. Last evaluated: 2023-03-04. Review status: criteria provided, single submitter. Criteria: ACMG Guidelines, 2015. Collection method: clinical testing. Allele origin: germline. Inheritance: Autosomal dominant inheritance. Observed: 1 variant allele, 1 heterozygote.
Comment: This study involves interpretation of variants in research participants for the purpose of population health screening. Participant phenotype was not available at the time of variant classification. Additional details can be found in publication PMID: 35346344, PMCID: PMC8962531

Labcorp Genetics (formerly Invitae), Labcorp
Classification: Uncertain significance for Long QT syndrome. Last evaluated: 2022-04-05. Review status: criteria provided, single submitter. Criteria: Invitae Variant Classification Sherloc (09022015). Collection method: clinical testing. Allele origin: germline.
Comment: In summary, the available evidence is currently insufficient to determine the role of this variant in disease. Therefore, it has been classified as a Variant of Uncertain Significance. Algorithms developed to predict the effect of missense changes on protein structure and function (SIFT, PolyPhen-2, Align-GVGD) all suggest that this variant is likely to be tolerated. This variant has not been reported in the literature in individuals affected with KCNQ1-related conditions. This variant is not present in population databases (gnomAD no frequency). This sequence change replaces glutamic acid, which is acidic and polar, with alanine, which is neutral and non-polar, at codon 651 of the KCNQ1 protein (p.Glu651Ala).

NM_000218.3(KCNQ1):c.1952A>C (p.Glu651Ala)

Genes: KCNQ1 (potassium voltage-gated channel subfamily Q member 1; plus strand), KCNQ1-AS1 (KCNQ1 antisense RNA 1; minus strand). Cytogenetic location: 11p15.4.
Variant type: single nucleotide variant.
Coding change: c.1952A>C on transcript NM_000218.3 (MANE Select); coding-DNA position 1952, A replaced by C.
Protein change: p.Glu651Ala; replaces glutamic acid 651 with alanine.
Molecular consequence: missense variant.
Genome position (GRCh38, 1-based): chr11:2,847,924, A>C. VCF-style: chr11-2847924-A-C. GRCh37 (hg19) VCF-style: chr11-2869154-A-C.
Other names: c.1856A>C, p.Glu619Ala (NM_001406836.1); c.1682A>C, p.Glu561Ala (NM_001406837.1); c.1412A>C, p.Glu471Ala (NM_001406838.1); c.464A>C, p.Glu155Ala (NM_001406839.1); c.1571A>C, p.Glu524Ala (NM_181798.2); short protein forms E155A, E471A, E524A, E561A, E619A, E651A.
Identifiers: ClinVar variation 2420322 (VCV002420322.8), dbSNP rs2494327352, ClinGen allele CA379140496.